The following is an entry in ClinVar:

NM_004304.5(ALK):c.2906C>G (p.Ala969Gly)

Gene: ALK (ALK receptor tyrosine kinase; minus strand). Cytogenetic location: 2p23.2.
Variant type: single nucleotide variant.
Coding change: c.2906C>G on transcript NM_004304.5 (MANE Select); coding-DNA position 2906, C replaced by G.
Protein change: p.Ala969Gly; replaces alanine 969 with glycine.
Molecular consequence: missense variant.
Genome position (GRCh38, 1-based): chr2:29,227,582, G>C on the plus strand (C>G on the coding strand, the complement: ALK is on the minus strand). VCF-style: chr2-29227582-G-C. GRCh37 (hg19) VCF-style: chr2-29450448-G-C.
Other names: short protein forms A969G.
Identifiers: ClinVar variation 1035922 (VCV001035922.11), dbSNP rs954019663, ClinGen allele CA44634631.
Genomic context (GRCh38, chr2:29,227,582, plus strand): 5'-GTGGGAGGACTGACCTAAGCAAGTTTGTTCTGCTGCCTGGCAGAGAAGCTACCTTTTAAA[G>C]CTGGGGTGTACAGGATGCCCAGTGGACTGATGAAGGAAACCCCATCTTCCCCATCCATTT-3'
Protein context (NP_004295.2, residues 959-979): ISPLGILYTP[Ala969Gly]LKVMEGHGEV

ClinVar aggregate classification (germline): Uncertain significance. Review status: criteria provided, multiple submitters, no conflicts (2 of 4 stars). 3 submissions from 3 submitters: Uncertain significance (3). Last evaluated 2025-02-04.

Conditions:
Neuroblastoma, susceptibility to, 3. Also called: ALK-Related Neuroblastic Tumor Susceptibility. Identifiers: Orphanet 635, MedGen C2751681, MONDO:0013083, OMIM 613014.
Hereditary cancer-predisposing syndrome. Also called: Neoplastic Syndromes, Hereditary; Hereditary Cancer Syndrome; Tumor predisposition; Hereditary neoplastic syndrome. Identifiers: Orphanet 140162, MedGen C0027672, MeSH D009386, MONDO:0015356.

Allele frequency attached by ClinVar (database versions not stated): TOPMed below 0.00001; gnomAD 0.00001.
gnomAD v4.1: 5 of 1,613,426 alleles (0.00031%); highest among the groups gnomAD compares: Non-Finnish European, 0.00042%; no homozygotes.

Submissions (3):

Labcorp Genetics (formerly Invitae), Labcorp
Classification: Uncertain significance for Neuroblastoma, susceptibility to, 3. Last evaluated: 2025-02-04. Review status: criteria provided, single submitter. Criteria: Invitae Variant Classification Sherloc (09022015). Collection method: clinical testing. Allele origin: germline.
Comment: This sequence change replaces alanine, which is neutral and non-polar, with glycine, which is neutral and non-polar, at codon 969 of the ALK protein (p.Ala969Gly). This variant is not present in population databases (gnomAD no frequency). This variant has not been reported in the literature in individuals affected with ALK-related conditions. ClinVar contains an entry for this variant (Variation ID: 1035922). An algorithm developed to predict the effect of missense changes on protein structure and function (PolyPhen-2) suggests that this variant is likely to be disruptive. Algorithms developed to predict the effect of sequence changes on RNA splicing suggest that this variant may disrupt the consensus splice site. In summary, the available evidence is currently insufficient to determine the role of this variant in disease. Therefore, it has been classified as a Variant of Uncertain Significance.

Ambry Genetics
Classification: Uncertain significance for Hereditary cancer-predisposing syndrome. Last evaluated: 2025-01-30. Review status: criteria provided, single submitter. Criteria: Ambry Variant Classification Scheme 2023. Collection method: clinical testing. Allele origin: germline.
Comment: The p.A969G variant (also known as c.2906C>G), located in coding exon 17 of the ALK gene, results from a C to G substitution at nucleotide position 2906. The alanine at codon 969 is replaced by glycine, an amino acid with similar properties. This amino acid position is well conserved in available vertebrate species. In addition, the in silico prediction for this alteration is inconclusive. Based on the available evidence, the clinical significance of this variant remains unclear.

Sema4
Classification: Uncertain significance for Hereditary cancer-predisposing syndrome. Last evaluated: 2021-08-13. Review status: criteria provided, single submitter. Criteria: Sema4 Curation Guidelines. Collection method: curation. Allele origin: germline.
Comment: The ALK c.2906C>G (p.A969G) variant has not been reported in the literature to our knowledge. It was not observed in the large and broad cohorts of the Genome Aggregation Database (PMID: 32461654). This variant has been reported in ClinVar (Variation ID 1035922). Functional studies have not been performed, and in silico predictions of the variant's effect on protein function are inconclusive. The evidence is insufficient to meet ACMG/AMP criteria for classifying the variant as benign or pathogenic. Thus, the clinical significance of this variant is currently uncertain.